The following is an entry in ClinVar:

NM_006031.6(PCNT):c.3769C>T (p.Arg1257Trp)

Gene: PCNT (pericentrin; plus strand). Cytogenetic location: 21q22.3.
Variant type: single nucleotide variant.
Coding change: c.3769C>T on transcript NM_006031.6 (MANE Select); coding-DNA position 3769, C replaced by T.
Protein change: p.Arg1257Trp; replaces arginine 1257 with tryptophan.
Molecular consequence: missense variant.
Genome position (GRCh38, 1-based): chr21:46,389,360, C>T. VCF-style: chr21-46389360-C-T. GRCh37 (hg19) VCF-style: chr21-47809275-C-T.
Other names: c.3415C>T, p.Arg1139Trp (NM_001315529.2); short protein forms R1139W, R1257W.
Identifiers: ClinVar variation 4986013 (VCV004986013.1).
Genomic context (GRCh38, chr21:46,389,360, plus strand): 5'-CACATGCGTGAAAGCTTTCTCATGAGCCCAGAAAGTGTGCGGGAGTGTGAGCAGCCCATC[C>T]GGAGGGTCTTCCAGAGCCTCAGCCTGGCCGTGGACGGCCTCATGGAGATGGCCCTGGACT-3'
Protein context (NP_006022.3, residues 1247-1267): ESVRECEQPI[Arg1257Trp]RVFQSLSLAV

ClinVar aggregate classification (germline): Uncertain significance (1 of 4 stars; one submission).

Conditions:
PCNT-related disorder. Also called: PCNT-related condition.

Submission:

PreventionGenetics, part of Exact Sciences
Classification: Uncertain significance for PCNT-related condition. Last evaluated: 2026-08-13. Review status: criteria provided, single submitter. Criteria: ACMG Guidelines, 2015. Collection method: clinical testing. Allele origin: germline.
Comment: The PCNT c.3769C>T variant is predicted to result in the amino acid substitution p.Arg1257Trp. To our knowledge, this variant has not been reported in the literature or in a large population database (gnomAD), indicating this variant is rare. At this time, the clinical significance of this variant is uncertain due to the absence of conclusive functional and genetic evidence.